The following is an entry in ClinVar:

NM_015557.3(CHD5):c.2927G>A (p.Gly976Asp)

Gene: CHD5 (chromodomain helicase DNA binding protein 5; minus strand). Cytogenetic location: 1p36.31.
Variant type: single nucleotide variant.
Coding change: c.2927G>A on transcript NM_015557.3 (MANE Select); coding-DNA position 2927, G replaced by A.
Protein change: p.Gly976Asp; replaces glycine 976 with aspartic acid.
Molecular consequence: missense variant.
Genome position (GRCh38, 1-based): chr1:6,134,803, C>T on the plus strand (G>A on the coding strand, the complement: CHD5 is on the minus strand). VCF-style: chr1-6134803-C-T. GRCh37 (hg19) VCF-style: chr1-6194863-C-T.
Other names: short protein forms G976D.
Identifiers: ClinVar variation 2570708 (VCV002570708.27), dbSNP rs1666714331, ClinGen allele CA338078444.

ClinVar aggregate classification (germline): Uncertain significance (1 of 4 stars; one submission).

Submission:

CeGaT Center for Human Genetics Tuebingen
Classification: Uncertain significance. Last evaluated: 2023-04-01. Review status: criteria provided, single submitter. Criteria: CeGaT Center For Human Genetics Tuebingen Variant Classification Criteria Version 2. Collection method: clinical testing. Allele origin: germline. Affected: yes. Observed: 1 variant allele.
Comment: CHD5: PM2, PP2, PP3